The following is an entry in ClinVar:

NC_000010.10:g.(?_73610929)_(73610988_?)del

Gene: PSAP (prosaposin; minus strand). Cytogenetic location: 10q22.1.
Variant type: Deletion.
Identifiers: ClinVar variation 1412783 (VCV001412783.5).

ClinVar aggregate classification (germline): Pathogenic (1 of 4 stars; one submission).

Conditions:
Sphingolipid activator protein 1 deficiency. Also called: Metachromatic leukodystrophy due to saposin B deficiency; METACHROMATIC LEUKODYSTROPHY DUE TO CEREBROSIDE SULFATASE ACTIVATOR DEFICIENCY; Saposin B Deficiency. Identifiers: Orphanet 512, MedGen C0268262, MONDO:0009590, OMIM 249900.

Submission:

Labcorp Genetics (formerly Invitae), Labcorp
Classification: Pathogenic for Sphingolipid activator protein 1 deficiency. Last evaluated: 2021-07-18. Review status: criteria provided, single submitter. Criteria: Invitae Variant Classification Sherloc (09022015). Collection method: clinical testing. Allele origin: germline.
Comment: For these reasons, this variant has been classified as Pathogenic. This variant has not been reported in the literature in individuals affected with PSAP-related conditions. This variant is a gross deletion of the genomic region encompassing exon(s) 1 of the PSAP gene, which includes the initiator codon. The 5' end of this event is unknown as it extends beyond the assayed region for this gene and therefore may encompass additional genes. The 3' boundary is likely confined to intron 1 of the PSAP gene. It is expected to result in an absent or disrupted protein product. Loss-of-function variants in PSAP are known to be pathogenic (PMID: 8554069, 11309366, 17616409, 19267410, 30632081).

Literature cited by the submitters: PubMed 8554069; PubMed 11309366; PubMed 17616409; PubMed 19267410; PubMed 30632081.